The following is an entry in ClinVar:

NM_152296.5(ATP1A3):c.113T>C (p.Val38Ala)

Gene: ATP1A3 (ATPase Na+/K+ transporting subunit alpha 3; minus strand). Cytogenetic location: 19q13.2.
Variant type: single nucleotide variant.
Coding change: c.113T>C on transcript NM_152296.5 (MANE Select); coding-DNA position 113, T replaced by C.
Protein change: p.Val38Ala; replaces valine 38 with alanine.
Molecular consequence: missense variant.
Genome position (GRCh38, 1-based): chr19:41,988,358, A>G on the plus strand (T>C on the coding strand, the complement: ATP1A3 is on the minus strand). VCF-style: chr19-41988358-A-G. GRCh37 (hg19) VCF-style: chr19-42492510-A-G.
Other names: c.113T>C (NM_152296.4); c.146T>C, p.Val49Ala (NM_001256213.2); c.152T>C, p.Val51Ala (NM_001256214.2); short protein forms V38A, V49A, V51A.
Identifiers: ClinVar variation 282336 (VCV000282336.17), dbSNP rs886044790, ClinGen allele CA10604150.

ClinVar aggregate classification (germline): Uncertain significance. Review status: criteria provided, multiple submitters, no conflicts (2 of 4 stars). 4 submissions from 4 submitters: Uncertain significance (4). Last evaluated 2025-07-01.

Conditions:
Dystonia 12 (DYT12). Also called: Rapid-Onset Dystonia-Parkinsonism (RDP); DYT-ATP1A3. Identifiers: Orphanet 71517, MedGen C1868681, MONDO:0007496, OMIM 128235.

Allele frequency attached by ClinVar (database versions not stated): gnomAD exomes below 0.00001 and 0.00001.

Submissions (4):

CeGaT Center for Human Genetics Tuebingen
Classification: Uncertain significance. Last evaluated: 2025-07-01. Review status: criteria provided, single submitter. Criteria: CeGaT Center For Human Genetics Tuebingen Variant Classification Criteria Version 2. Collection method: clinical testing. Allele origin: germline. Affected: yes. Observed: 1 variant allele.
Comment: ATP1A3: PP2

GeneDx
Classification: Uncertain significance. Last evaluated: 2024-12-09. Review status: criteria provided, single submitter. Criteria: GeneDx Variant Classification Process June 2021. Collection method: clinical testing. Allele origin: germline. Affected: yes.
Comment: Identified in a patient with seizures, failure to thrive, microcephaly, and global developmental delay (PMID: 30008475); Not observed at significant frequency in large population cohorts (gnomAD); In silico analysis indicates that this missense variant does not alter protein structure/function; This variant is associated with the following publications: (PMID: 30008475)

Labcorp Genetics (formerly Invitae), Labcorp
Classification: Uncertain significance for Dystonia 12. Last evaluated: 2024-10-28. Review status: criteria provided, single submitter. Criteria: Invitae Variant Classification Sherloc (09022015). Collection method: clinical testing. Allele origin: germline.
Comment: This sequence change replaces valine, which is neutral and non-polar, with alanine, which is neutral and non-polar, at codon 38 of the ATP1A3 protein (p.Val38Ala). This variant is present in population databases (no rsID available, gnomAD 0.0009%). This variant has not been reported in the literature in individuals affected with ATP1A3-related conditions. ClinVar contains an entry for this variant (Variation ID: 282336). Invitae Evidence Modeling of protein sequence and biophysical properties (such as structural, functional, and spatial information, amino acid conservation, physicochemical variation, residue mobility, and thermodynamic stability) has been performed for this missense variant. However, the output from this modeling did not meet the statistical confidence thresholds required to predict the impact of this variant on ATP1A3 protein function. In summary, the available evidence is currently insufficient to determine the role of this variant in disease. Therefore, it has been classified as a Variant of Uncertain Significance.

Eurofins Ntd Llc (ga)
Classification: Uncertain significance. Last evaluated: 2015-08-13. Review status: criteria provided, single submitter. Criteria: EGL Classification Definitions 2015. Collection method: clinical testing. Allele origin: germline. Observed: 1 variant allele, 1 heterozygote.